The following is an entry in ClinVar:

ClinVar aggregate classification (germline): Likely benign (1 of 4 stars; one submission).

gnomAD v4.1: 1,055 of 1,610,058 alleles (0.066%); highest among the groups gnomAD compares: Non-Finnish European, 0.075%; 2 homozygotes.

Submission:

CeGaT Center for Human Genetics Tuebingen
Classification: Likely benign. Last evaluated: 2026-05-01. Review status: criteria provided, single submitter. Criteria: CeGaT Center For Human Genetics Tuebingen Variant Classification Criteria Version 2. Collection method: clinical testing. Allele origin: germline. Affected: yes. Observed: 3 variant alleles.
Comment: PLXNB2: BP4, BS2

NM_012401.4(PLXNB2):c.5413-7C>T

Gene: PLXNB2 (plexin B2; minus strand). Cytogenetic location: 22q13.33.
Variant type: single nucleotide variant.
Coding change: c.5413-7C>T on transcript NM_012401.4 (MANE Select); 7 bases into the intron before coding-DNA position 5413, C replaced by T.
Molecular consequence: intron variant.
Genome position (GRCh38, 1-based): chr22:50,275,815, G>A on the plus strand (C>T on the coding strand, the complement: PLXNB2 is on the minus strand). VCF-style: chr22-50275815-G-A. GRCh37 (hg19) VCF-style: chr22-50714244-G-A.
Other names: c.5413-7C>T (NM_001376869.1, NM_001376866.1, NM_001376868.1 and 14 more transcripts); c.5335-7C>T (NM_001376885.1, NM_001376884.1); c.5320-7C>T (NM_001376886.1); c.5482-7C>T (NM_001376865.1); c.5389-7C>T (NM_001376883.1); c.5650-7C>T (NM_001376864.1).
Identifiers: ClinVar variation 4083670 (VCV004083670.8).